The following is an entry in ClinVar:

NM_005876.5(SPEG):c.5737C>T (p.Pro1913Ser)

Genes: ASIC4-AS1 (ASIC4 antisense RNA 1; minus strand), SPEG (striated muscle enriched protein kinase; plus strand). Cytogenetic location: 2q35.
Variant type: single nucleotide variant.
Coding change: c.5737C>T on transcript NM_005876.5 (MANE Select); coding-DNA position 5737, C replaced by T.
Protein change: p.Pro1913Ser; replaces proline 1913 with serine.
Molecular consequence: missense variant.
Genome position (GRCh38, 1-based): chr2:219,483,200, C>T. VCF-style: chr2-219483200-C-T. GRCh37 (hg19) VCF-style: chr2-220347922-C-T.
Other names: p.Pro1913Ser; c.5737C>T (NM_005876.4); short protein forms P1913S.
Identifiers: ClinVar variation 1650882 (VCV001650882.11), dbSNP rs778451466, ClinGen allele CA2126940.
Genomic context (GRCh38, chr2:219,483,200, plus strand): 5'-ATCCCCGAGCTGCTGCGGGCCCCCCCAGAGCGGGTGTGGGTGACCATGCCCAGAAGGCCA[C>T]CCCCCAGTGGGGGGCTCTCATCCTCCTCGGATTCTGAAGAGGAAGAGCTGGAAGAGCTGC-3'
Protein context (NP_005867.3, residues 1903-1923): RVWVTMPRRP[Pro1913Ser]PSGGLSSSSD

ClinVar aggregate classification (germline): Likely benign. Review status: criteria provided, multiple submitters, no conflicts (2 of 4 stars). 3 submissions from 3 submitters: Likely benign (2). 1 of the submissions does not count toward it. Last evaluated 2026-01-22.

Conditions:
SPEG-related disorder. Also called: SPEG-related condition.

Allele frequency attached by ClinVar (database versions not stated): gnomAD 0.00014; TOPMed 0.00015; gnomAD exomes 0.00020 and 0.00005; ExAC 0.00024.
gnomAD v4.1: 98 of 1,609,226 alleles (0.0061%); highest among the groups gnomAD compares: East Asian, 0.18%; no homozygotes.

Submissions (3):

Labcorp Genetics (formerly Invitae), Labcorp
Classification: Likely benign. Last evaluated: 2026-01-22. Review status: criteria provided, single submitter. Criteria: Invitae Variant Classification Sherloc (09022015). Collection method: clinical testing. Allele origin: germline.

Mayo Clinic Laboratories, Mayo Clinic
Classification: Likely benign. Last evaluated: 2025-10-09. Review status: criteria provided, single submitter. Criteria: ACMG Guidelines, 2015. Collection method: clinical testing. Allele origin: germline. Observed: 1 variant allele.
Comment: BS1, BP4_moderate

PreventionGenetics, part of Exact Sciences
Classification: Likely benign for SPEG-related condition. Last evaluated: 2023-06-08. Review status: no assertion criteria provided. Collection method: clinical testing. Allele origin: germline. Not counted in ClinVar's aggregate classification.
Comment: This variant is classified as likely benign based on ACMG/AMP sequence variant interpretation guidelines (Richards et al. 2015 PMID: 25741868, with internal and published modifications).